The following is an entry in ClinVar:

ClinVar aggregate classification (germline): Uncertain significance. Review status: criteria provided, multiple submitters, no conflicts (2 of 4 stars). 3 submissions from 3 submitters: Uncertain significance (3). Last evaluated 2025-07-03.

Conditions:
Cardiovascular phenotype. Identifiers: MedGen CN230736.
Long QT syndrome (LQTS). Identifiers: MedGen C0023976, MeSH D008133, MONDO:0002442. Disease mechanism: loss of function. Inheritance: Various modes of inheritance.

Allele frequency attached by ClinVar (database versions not stated): gnomAD 0.00002; TOPMed 0.00003.
gnomAD v4.1: 36 of 1,613,240 alleles (0.0022%); highest among the groups gnomAD compares: Admixed American, 0.005%; no homozygotes.

Submissions (3):

Labcorp Genetics (formerly Invitae), Labcorp
Classification: Uncertain significance for Long QT syndrome. Last evaluated: 2025-07-03. Review status: criteria provided, single submitter. Criteria: Invitae Variant Classification Sherloc (09022015). Collection method: clinical testing. Allele origin: germline.
Comment: This sequence change replaces arginine, which is basic and polar, with glutamine, which is neutral and polar, at codon 1596 of the AKAP9 protein (p.Arg1596Gln). This variant is present in population databases (rs755498039, gnomAD 0.009%). This variant has not been reported in the literature in individuals affected with AKAP9-related conditions. ClinVar contains an entry for this variant (Variation ID: 1743070). An algorithm developed to predict the effect of missense changes on protein structure and function (PolyPhen-2) suggests that this variant is likely to be disruptive. In summary, the available evidence is currently insufficient to determine the role of this variant in disease. Therefore, it has been classified as a Variant of Uncertain Significance.

Ambry Genetics
Classification: Uncertain significance for Cardiovascular phenotype. Last evaluated: 2025-01-21. Review status: criteria provided, single submitter. Criteria: Ambry Variant Classification Scheme 2023. Collection method: clinical testing. Allele origin: germline.

GeneDx
Classification: Uncertain significance. Last evaluated: 2023-05-22. Review status: criteria provided, single submitter. Criteria: GeneDx Variant Classification Process June 2021. Collection method: clinical testing. Allele origin: germline. Affected: yes.
Comment: Has not been previously published as pathogenic or benign to our knowledge; Not observed at significant frequency in large population cohorts (gnomAD); In silico analysis supports that this missense variant does not alter protein structure/function

NM_005751.5(AKAP9):c.4787G>A (p.Arg1596Gln)

Gene: AKAP9 (A-kinase anchoring protein 9; plus strand). Cytogenetic location: 7q21.2.
Variant type: single nucleotide variant.
Coding change: c.4787G>A on transcript NM_005751.5 (MANE Select); coding-DNA position 4787, G replaced by A.
Protein change: p.Arg1596Gln; replaces arginine 1596 with glutamine.
Molecular consequence: missense variant.
Genome position (GRCh38, 1-based): chr7:92,040,768, G>A. VCF-style: chr7-92040768-G-A. GRCh37 (hg19) VCF-style: chr7-91670082-G-A.
Other names: c.4787G>A, p.Arg1596Gln (NM_147185.3); short protein forms R1596Q.
Identifiers: ClinVar variation 1743070 (VCV001743070.6), dbSNP rs755498039, ClinGen allele CA161896953.
Genomic context (GRCh38, chr7:92,040,768, plus strand): 5'-CTTCTAGACAACTAATGTTGAATGAAGAACAGTTGGAAGATATGAGACAGGAACTTGTAC[G>A]ACAATACCAAGAACATCAACAGGCAACGGAATTGTTAAGGCAAGCACATATGCGGCAAAT-3'
Protein context (NP_005742.4, residues 1586-1606): QLEDMRQELV[Arg1596Gln]QYQEHQQATE